The following is an entry in ClinVar:

ClinVar aggregate classification (germline): Uncertain significance. Review status: criteria provided, multiple submitters, no conflicts (2 of 4 stars). 2 submissions from 2 submitters: Uncertain significance (2). Last evaluated 2025-12-11.

Allele frequency attached by ClinVar (database versions not stated): gnomAD 0.00001 and 0.00002; ExAC 0.00002; gnomAD exomes 0.00002 and 0.00003.
gnomAD v4.1: 47 of 1,614,220 alleles (0.0029%); highest among the groups gnomAD compares: East Asian, 0.098%; 1 homozygote.

Submissions (2):

Labcorp Genetics (formerly Invitae), Labcorp
Classification: Uncertain significance. Last evaluated: 2025-12-11. Review status: criteria provided, single submitter. Criteria: Invitae Variant Classification Sherloc (09022015). Collection method: clinical testing. Allele origin: germline.
Comment: This sequence change replaces isoleucine, which is neutral and non-polar, with threonine, which is neutral and polar, at codon 1080 of the DUOX2 protein (p.Ile1080Thr). This variant is present in population databases (rs756822740, gnomAD 0.03%). This missense change has been observed in individual(s) with congenital hypothyroidism (PMID: 21900383, 26709262, 26742565, 32459320, 32469330, 38757580). ClinVar contains an entry for this variant (Variation ID: 1370762). Invitae Evidence Modeling of protein sequence and biophysical properties (such as structural, functional, and spatial information, amino acid conservation, physicochemical variation, residue mobility, and thermodynamic stability) indicates that this missense variant is expected to disrupt DUOX2 protein function with a positive predictive value of 80%. Experimental studies have shown that this missense change affects DUOX2 function (PMID: 21900383). In summary, the available evidence is currently insufficient to determine the role of this variant in disease. Therefore, it has been classified as a Variant of Uncertain Significance.

Women's Health and Genetics/Laboratory Corporation of America, LabCorp
Classification: Uncertain significance. Last evaluated: 2025-03-07. Review status: criteria provided, single submitter. Criteria: LabCorp Variant Classification Summary - May 2015. Collection method: clinical testing. Allele origin: germline.
Comment: Variant summary: DUOX2 c.3239T>C (p.Ile1080Thr) results in a non-conservative amino acid change in the encoded protein sequence. Four of five in-silico tools predict a damaging effect of the variant on protein function. The variant allele was found at a frequency of 1.6e-05 in 251430 control chromosomes (gnomAD). The available data on variant occurrences in the general population are insufficient to allow any conclusion about variant significance. c.3239T>C has been reported in the literature in individuals affected with Thyroid Dyshormonogenesis 6 (Narumi_2011, Maruo_2016, Park_2016, Tanaka_2020, Yamaguchi_2020). These data do not allow any conclusion about variant significance. At least one publication reports experimental evidence evaluating an impact on protein function and this variant affected the DUOX2 protein function (Narumi_2011). The following publications have been ascertained in the context of this evaluation (PMID: 26742565, 21900383, 26709262, 32469330, 32459320). ClinVar contains an entry for this variant (Variation ID: 1370762). Based on the evidence outlined above, the variant was classified as uncertain significance.

Literature cited by the submitters: PubMed 21900383 (cited by Labcorp Genetics (formerly Invitae), Labcorp and Women's Health and Genetics/Laboratory Corporation of America, LabCorp); PubMed 26709262 (cited by Labcorp Genetics (formerly Invitae), Labcorp and Women's Health and Genetics/Laboratory Corporation of America, LabCorp); PubMed 26742565 (cited by Labcorp Genetics (formerly Invitae), Labcorp and Women's Health and Genetics/Laboratory Corporation of America, LabCorp); PubMed 32459320 (cited by Labcorp Genetics (formerly Invitae), Labcorp and Women's Health and Genetics/Laboratory Corporation of America, LabCorp); PubMed 32469330 (cited by Labcorp Genetics (formerly Invitae), Labcorp and Women's Health and Genetics/Laboratory Corporation of America, LabCorp); PubMed 38757580 (cited by Labcorp Genetics (formerly Invitae), Labcorp).

NM_001363711.2(DUOX2):c.3239T>C (p.Ile1080Thr)

Gene: DUOX2 (dual oxidase 2; minus strand). Cytogenetic location: 15q21.1.
Variant type: single nucleotide variant.
Coding change: c.3239T>C on transcript NM_001363711.2 (MANE Select); coding-DNA position 3239, T replaced by C.
Protein change: p.Ile1080Thr; replaces isoleucine 1080 with threonine.
Molecular consequence: missense variant.
Genome position (GRCh38, 1-based): chr15:45,099,838, A>G on the plus strand (T>C on the coding strand, the complement: DUOX2 is on the minus strand). VCF-style: chr15-45099838-A-G. GRCh37 (hg19) VCF-style: chr15-45392036-A-G.
Other names: c.3239T>C, p.Ile1080Thr (NM_014080.5); short protein forms I1080T.
Identifiers: ClinVar variation 1370762 (VCV001370762.7), dbSNP rs756822740, ClinGen allele CA7537951.